The following is an entry in ClinVar:

ClinVar aggregate classification (germline): Pathogenic (1 of 4 stars; one submission).

Conditions:
Cerebral creatine deficiency syndrome. Also called: Creatine deficiency syndromes. Identifiers: Orphanet 79172, MedGen C5244016, MONDO:0000456.

Submission:

Labcorp Genetics (formerly Invitae), Labcorp
Classification: Pathogenic for Cerebral creatine deficiency syndrome. Last evaluated: 2022-09-16. Review status: criteria provided, single submitter. Criteria: Invitae Variant Classification Sherloc (09022015). Collection method: clinical testing. Allele origin: germline.
Comment: For these reasons, this variant has been classified as Pathogenic. This variant has not been reported in the literature in individuals affected with GAMT-related conditions. The frequency data for this variant in the population databases is considered unreliable, as metrics indicate poor data quality at this position in the gnomAD database. This sequence change creates a premature translational stop signal (p.Gly62Alafs*52) in the GAMT gene. It is expected to result in an absent or disrupted protein product. Loss-of-function variants in GAMT are known to be pathogenic (PMID: 15108290).

Literature cited by the submitters: PubMed 15108290.

NC_000019.10:g.1399939del

Gene: GAMT (guanidinoacetate N-methyltransferase; minus strand). Cytogenetic location: 19p13.3.
Variant type: Deletion.
Genome position: GRCh38 VCF-style: chr19-1399934-GC-G. GRCh37 (hg19) VCF-style: chr19-1399933-GC-G.
Identifiers: ClinVar variation 2030841 (VCV002030841.5), dbSNP rs1222016863, ClinGen allele CA631044786.